The following is an entry in ClinVar:

NM_005188.4(CBL):c.755C>T (p.Ser252Phe)

Gene: CBL (Cbl proto-oncogene; plus strand). Cytogenetic location: 11q23.3.
Variant type: single nucleotide variant.
Coding change: c.755C>T on transcript NM_005188.4 (MANE Select); coding-DNA position 755, C replaced by T.
Protein change: p.Ser252Phe; replaces serine 252 with phenylalanine.
Molecular consequence: missense variant.
Genome position (GRCh38, 1-based): chr11:119,274,839, C>T. VCF-style: chr11-119274839-C-T. GRCh37 (hg19) VCF-style: chr11-119145549-C-T.
Other names: short protein forms S252F.
Identifiers: ClinVar variation 3054207 (VCV003054207.2), dbSNP rs1477764968, ClinGen allele CA382910585.

ClinVar aggregate classification (germline): Uncertain significance (0 of 4 stars; one submission).

Conditions:
CBL-related disorder. Also called: CBL MUTATION-ASSOCIATED SYNDROME; CBL SYNDROME; NOONAN SYNDROME-LIKE DISORDER WITHOUT JUVENILE MYELOMONOCYTIC LEUKEMIA. Identifiers: Orphanet 363972, MedGen C3150803, MONDO:0013308, OMIM 613563.

gnomAD v4.1: 1 of 1,612,434 alleles (0.000062%); highest among the groups gnomAD compares: Non-Finnish European, 0.000085%; no homozygotes.

Submission:

PreventionGenetics, part of Exact Sciences
Classification: Uncertain significance for CBL-related condition. Last evaluated: 2024-05-14. Review status: no assertion criteria provided. Collection method: clinical testing. Allele origin: germline.
Comment: The CBL c.755C>T variant is predicted to result in the amino acid substitution p.Ser252Phe. To our knowledge, this variant has not been reported in the literature or in a large population database, indicating this variant is rare. At this time, the clinical significance of this variant is uncertain due to the absence of conclusive functional and genetic evidence.